The following is an entry in ClinVar:

ClinVar aggregate classification (germline): Likely pathogenic. Review status: criteria provided, multiple submitters, no conflicts (2 of 4 stars). 2 submissions from 2 submitters: Likely pathogenic (2). Last evaluated 2023-05-11.

Conditions:
Tessadori-van Haaften neurodevelopmental syndrome 1 (TEBIVANED1). Also called: TESSADORI-BICKNELL-VAN HAAFTEN NEURODEVELOPMENTAL SYNDROME 1. Identifiers: MedGen C5676922, MONDO:0030729, OMIM 619758.

Submissions (2):

Laboratoire de Génétique Moléculaire, CHU Bordeaux
Classification: Likely pathogenic for Tessadori-van Haaften neurodevelopmental syndrome 1. Last evaluated: 2023-05-11. Review status: criteria provided, single submitter. Criteria: ACMG Guidelines, 2015. Collection method: clinical testing. Allele origin: germline. Affected: yes.

GeneDx
Classification: Likely pathogenic. Last evaluated: 2023-03-02. Review status: criteria provided, single submitter. Criteria: GeneDx Variant Classification Process June 2021. Collection method: clinical testing. Allele origin: germline. Affected: yes.
Comment: Not observed in large population cohorts (gnomAD); In silico analysis supports that this missense variant has a deleterious effect on protein structure/function; Has not been previously published as pathogenic or benign to our knowledge

NM_003542.4(H4C3):c.98C>G (p.Pro33Arg)

Gene: H4C3 (H4 clustered histone 3; plus strand). Cytogenetic location: 6p22.2.
Variant type: single nucleotide variant.
Coding change: c.98C>G on transcript NM_003542.4 (MANE Select); coding-DNA position 98, C replaced by G.
Protein change: p.Pro33Arg; replaces proline 33 with arginine.
Molecular consequence: missense variant.
Genome position (GRCh38, 1-based): chr6:26,104,045, C>G. VCF-style: chr6-26104045-C-G. GRCh37 (hg19) VCF-style: chr6-26104273-C-G.
Other names: short protein forms P33R.
Identifiers: ClinVar variation 2443610 (VCV002443610.2), dbSNP rs2113784282, ClinGen allele CA363180891.